The following is an entry in ClinVar:

NM_000093.5(COL5A1):c.1726C>A (p.Pro576Thr)

Gene: COL5A1 (collagen type V alpha 1 chain; plus strand). Cytogenetic location: 9q34.3.
Variant type: single nucleotide variant.
Coding change: c.1726C>A on transcript NM_000093.5 (MANE Select); coding-DNA position 1726, C replaced by A.
Protein change: p.Pro576Thr; replaces proline 576 with threonine.
Molecular consequence: missense variant.
Genome position (GRCh38, 1-based): chr9:134,753,856, C>A. VCF-style: chr9-134753856-C-A. GRCh37 (hg19) VCF-style: chr9-137645702-C-A.
Other names: c.1726C>A, p.Pro576Thr (NM_001278074.1); short protein forms P576T.
Identifiers: ClinVar variation 1707958 (VCV001707958.2), dbSNP rs763246328, ClinGen allele CA375444772.

ClinVar aggregate classification (germline): Uncertain significance (1 of 4 stars; one submission).

Submission:

GeneDx
Classification: Uncertain significance. Last evaluated: 2022-03-30. Review status: criteria provided, single submitter. Criteria: GeneDx Variant Classification Process June 2021. Collection method: clinical testing. Allele origin: germline. Affected: yes.
Comment: Has not been previously published as pathogenic or benign to our knowledge; Not observed at significant frequency in large population cohorts (gnomAD); In silico analysis supports that this missense variant has a deleterious effect on protein structure/function; Occurs in the triple helical domain at the Y position in the canonical Gly-X-Y repeat; although this variant may have an effect on normal protein folding and function, missense substitution at the Y position is not a common mechanism of disease (Symoens et al., 2012; HGMD); This variant is associated with the following publications: (PMID: 22696272)